The following is an entry in ClinVar:

ClinVar aggregate classification (germline): Uncertain significance (1 of 4 stars; one submission).

gnomAD v4.1: 1 of 1,613,666 alleles (0.000062%); highest among the groups gnomAD compares: Non-Finnish European, 0.000085%; no homozygotes.

Submission:

Labcorp Genetics (formerly Invitae), Labcorp
Classification: Uncertain significance. Last evaluated: 2022-05-04. Review status: criteria provided, single submitter. Criteria: Invitae Variant Classification Sherloc (09022015). Collection method: clinical testing. Allele origin: germline.
Comment: Algorithms developed to predict the effect of missense changes on protein structure and function output the following: SIFT: "Deleterious"; PolyPhen-2: "Benign"; Align-GVGD: "Class C0". The proline amino acid residue is found in multiple mammalian species, which suggests that this missense change does not adversely affect protein function. This sequence change replaces glutamine, which is neutral and polar, with proline, which is neutral and non-polar, at codon 1642 of the KMT2E protein (p.Gln1642Pro). This variant is not present in population databases (gnomAD no frequency). This variant has not been reported in the literature in individuals affected with KMT2E-related conditions. In summary, the available evidence is currently insufficient to determine the role of this variant in disease. Therefore, it has been classified as a Variant of Uncertain Significance.

NM_182931.3(KMT2E):c.4925A>C (p.Gln1642Pro)

Gene: KMT2E (lysine methyltransferase 2E (inactive); plus strand). Cytogenetic location: 7q22.3.
Variant type: single nucleotide variant.
Coding change: c.4925A>C on transcript NM_182931.3 (MANE Select); coding-DNA position 4925, A replaced by C.
Protein change: p.Gln1642Pro; replaces glutamine 1642 with proline.
Molecular consequence: missense variant.
Genome position (GRCh38, 1-based): chr7:105,112,681, A>C. VCF-style: chr7-105112681-A-C. GRCh37 (hg19) VCF-style: chr7-104753128-A-C.
Other names: c.4799A>C, p.Gln1600Pro (NM_001410908.1); c.4925A>C, p.Gln1642Pro (NM_018682.4); short protein forms Q1642P, Q1600P.
Identifiers: ClinVar variation 2122128 (VCV002122128.4), dbSNP rs938995643, ClinGen allele CA164024426.